The following is an entry in ClinVar:

ClinVar aggregate classification (germline): Conflicting classifications of pathogenicity. Review status: criteria provided, conflicting classifications (1 of 4 stars). 3 submissions from 3 submitters: Uncertain significance (1); Likely benign (2). Last evaluated 2021-11-07.

Conditions:
Tuberous sclerosis 2 (TSC2). Identifiers: Orphanet 805, MedGen C1860707, MONDO:0013199, OMIM 613254.

Submissions (3):

Genome-Nilou Lab
Classification: Likely benign for Tuberous sclerosis 2. Last evaluated: 2021-11-07. Review status: criteria provided, single submitter. Criteria: ACMG Guidelines, 2015. Collection method: clinical testing. Allele origin: germline. Affected: no.

GeneDx
Classification: Uncertain significance. Last evaluated: 2020-02-06. Review status: criteria provided, single submitter. Criteria: GeneDx Variant Classification Process June 2021. Collection method: clinical testing. Allele origin: germline. Affected: yes.
Comment: Not observed in large population cohorts (Lek et al., 2016); In silico analysis supports a deleterious effect on splicing; Has not been previously published as pathogenic or benign to our knowledge

Labcorp Genetics (formerly Invitae), Labcorp
Classification: Likely benign for Tuberous sclerosis 2. Last evaluated: 2019-07-24. Review status: criteria provided, single submitter. Criteria: Invitae Variant Classification Sherloc (09022015). Collection method: clinical testing. Allele origin: germline.

NM_000548.5(TSC2):c.4006-7T>G

Gene: TSC2 (TSC complex subunit 2; plus strand). Cytogenetic location: 16p13.3.
Variant type: single nucleotide variant.
Coding change: c.4006-7T>G on transcript NM_000548.5 (MANE Select); 7 bases into the intron before coding-DNA position 4006, T replaced by G.
Molecular consequence: intron variant.
Genome position (GRCh38, 1-based): chr16:2,084,221, T>G. VCF-style: chr16-2084221-T-G. GRCh37 (hg19) VCF-style: chr16-2134222-T-G.
Other names: c.3937-7T>G (NM_001114382.3); c.3877-7T>G (NM_021055.3, NM_001370405.1); c.3808-7T>G (NM_001363528.2); c.3874-7T>G (NM_001370404.1); c.3805-7T>G (NM_001077183.3); c.3697-7T>G (NM_001318827.2); c.3274-7T>G (NM_001318831.2); c.3661-7T>G (NM_001318829.2); and 1 more.
Identifiers: ClinVar variation 1131911 (VCV001131911.12), dbSNP rs2151520224, ClinGen allele CA2499223333.